The following is an entry in ClinVar:

NM_001099287.2(NIPAL4):c.*1733G>T

Gene: NIPAL4 (NIPA like domain containing 4; plus strand). Cytogenetic location: 5q33.3.
Variant type: single nucleotide variant.
Coding change: c.*1733G>T on transcript NM_001099287.2 (MANE Select); 1733 bases downstream of the stop codon, G replaced by T.
Molecular consequence: 3 prime UTR variant.
Genome position (GRCh38, 1-based): chr5:157,474,693, G>T. VCF-style: chr5-157474693-G-T. GRCh37 (hg19) VCF-style: chr5-156901701-G-T.
Other names: c.*1733G>T (NM_001172292.2).
Identifiers: ClinVar variation 352551 (VCV000352551.5), dbSNP rs11739062, ClinGen allele CA10623776.

ClinVar aggregate classification (germline): Benign (1 of 4 stars; one submission).

Conditions:
Autosomal recessive congenital ichthyosis 6 (ARCI6). Identifiers: Orphanet 313, Orphanet 79394, MedGen C2677065, MONDO:0012847, OMIM 612281.

Allele frequency attached by ClinVar (database versions not stated): 1000 Genomes Project 0.02476; 1000 Genomes Project 30x 0.02608; TOPMed 0.04731; gnomAD 0.04902 and 0.05086.

Submission:

Illumina Laboratory Services, Illumina
Classification: Benign for Autosomal recessive congenital ichthyosis 6. Last evaluated: 2018-01-12. Review status: criteria provided, single submitter. Criteria: ICSL Variant Classification Criteria 13 December 2019. Collection method: clinical testing. Allele origin: germline.
Comment: This variant was observed in the ICSL laboratory as part of a predisposition screen in an ostensibly healthy population. It had not been previously curated by ICSL or reported in the Human Gene Mutation Database (HGMD: prior to June 1st, 2018), and was therefore a candidate for classification through an automated scoring system. Utilizing variant allele frequency, disease prevalence and penetrance estimates, and inheritance mode, an automated score was calculated to assess if this variant is too frequent to cause the disease. Based on the score and internal cut-off values, a variant classified as benign is not then subjected to further curation. The score for this variant resulted in a classification of benign for this disease.